The following is an entry in ClinVar:

ClinVar aggregate classification (germline): Uncertain significance (1 of 4 stars; one submission).

Allele frequency attached by ClinVar (database versions not stated): ExAC 0.00001; TOPMed 0.00001.
gnomAD v4.1: 3 of 1,612,558 alleles (0.00019%); highest among the groups gnomAD compares: Non-Finnish European, 0.00025%; no homozygotes.

Submission:

Labcorp Genetics (formerly Invitae), Labcorp
Classification: Uncertain significance. Last evaluated: 2025-06-04. Review status: criteria provided, single submitter. Criteria: Invitae Variant Classification Sherloc (09022015). Collection method: clinical testing. Allele origin: germline.
Comment: This sequence change replaces arginine, which is basic and polar, with glutamine, which is neutral and polar, at codon 277 of the GATAD2B protein (p.Arg277Gln). This variant is present in population databases (rs754896479, gnomAD 0.003%). This variant has not been reported in the literature in individuals affected with GATAD2B-related conditions. ClinVar contains an entry for this variant (Variation ID: 2003409). Invitae Evidence Modeling of protein sequence and biophysical properties (such as structural, functional, and spatial information, amino acid conservation, physicochemical variation, residue mobility, and thermodynamic stability) indicates that this missense variant is not expected to disrupt GATAD2B protein function with a negative predictive value of 80%. In summary, the available evidence is currently insufficient to determine the role of this variant in disease. Therefore, it has been classified as a Variant of Uncertain Significance.

NM_020699.4(GATAD2B):c.830G>A (p.Arg277Gln)

Gene: GATAD2B (GATA zinc finger domain containing 2B; minus strand). Cytogenetic location: 1q21.3.
Variant type: single nucleotide variant.
Coding change: c.830G>A on transcript NM_020699.4 (MANE Select); coding-DNA position 830, G replaced by A.
Protein change: p.Arg277Gln; replaces arginine 277 with glutamine.
Molecular consequence: missense variant.
Genome position (GRCh38, 1-based): chr1:153,817,442, C>T on the plus strand (G>A on the coding strand, the complement: GATAD2B is on the minus strand). VCF-style: chr1-153817442-C-T. GRCh37 (hg19) VCF-style: chr1-153789918-C-T.
Other names: short protein forms R277Q.
Identifiers: ClinVar variation 2003409 (VCV002003409.4), dbSNP rs754896479, ClinGen allele CA1120762.